The following is an entry in ClinVar:

ClinVar aggregate classification (germline): Uncertain significance. Review status: criteria provided, multiple submitters, no conflicts (2 of 4 stars). 3 submissions from 3 submitters: Uncertain significance (3). Last evaluated 2024-11-15.

Conditions:
Landau-Kleffner syndrome (FESD). Also called: APHASIA, ACQUIRED, WITH EPILEPSY; EPILEPSY, FOCAL, WITH SPEECH DISORDER AND WITH OR WITHOUT MENTAL RETARDATION. Identifiers: Orphanet 1945, Orphanet 725, Orphanet 98818, MedGen C0282512, MONDO:0009509, OMIM 245570.

Allele frequency attached by ClinVar (database versions not stated): gnomAD exomes 0.00001; ExAC 0.00002.
gnomAD v4.1: 10 of 1,614,202 alleles (0.00062%); highest among the groups gnomAD compares: Non-Finnish European, 0.00076%; no homozygotes.

Submissions (3):

Blueprint Genetics
Classification: Uncertain significance. Last evaluated: 2024-11-15. Review status: criteria provided, single submitter. Criteria: ACMG Guidelines, 2015. Collection method: clinical testing. Allele origin: germline.

Fulgent Genetics
Classification: Uncertain significance for Landau-Kleffner syndrome. Last evaluated: 2024-02-05. Review status: criteria provided, single submitter. Criteria: ACMG Guidelines, 2015. Collection method: clinical testing. Allele origin: germline.

GeneDx
Classification: Uncertain significance. Last evaluated: 2016-05-24. Review status: criteria provided, single submitter. Criteria: GeneDx Variant Classification (06012015). Collection method: clinical testing. Allele origin: germline. Affected: yes.
Comment: The M932I variant has not been published as a mutation, nor has it been reported as a benign polymorphism to our knowledge. It was not observed in approximately 6,500 individuals of European and African American ancestry in the NHLBI Exome Sequencing Project, indicating it is not a common benign variant in these populations. The M932I variant is a conservative amino acid substitution, which is not likely to impact secondary protein structure as these residues share similar properties. This substitution occurs at a position that is not conserved across species. However, in silico analysis is inconsistent in its predictions as to whether or not the variant is damaging to the protein structure/function. Therefore, based on the currently available information, it is unclear whether this variant is a pathogenic mutation or a rare benign variant.

NM_001134407.3(GRIN2A):c.2796G>C (p.Met932Ile)

Gene: GRIN2A (glutamate ionotropic receptor NMDA type subunit 2A; minus strand). Cytogenetic location: 16p13.2.
Variant type: single nucleotide variant.
Coding change: c.2796G>C on transcript NM_001134407.3 (MANE Select); coding-DNA position 2796, G replaced by C.
Protein change: p.Met932Ile; replaces methionine 932 with isoleucine.
Molecular consequence: missense variant.
Genome position (GRCh38, 1-based): chr16:9,764,748, C>G on the plus strand (G>C on the coding strand, the complement: GRIN2A is on the minus strand). VCF-style: chr16-9764748-C-G. GRCh37 (hg19) VCF-style: chr16-9858605-C-G.
Other names: p.M932I:ATG>ATC; c.2796G>C, p.Met932Ile (NM_000833.5, NM_001134408.2); short protein forms M932I.
Identifiers: ClinVar variation 205663 (VCV000205663.4), dbSNP rs765941753, ClinGen allele CA314958.